The following is an entry in ClinVar:

ClinVar aggregate classification (germline): Uncertain significance (1 of 4 stars; one submission).

Conditions:
PKD1-related disorder. Also called: PKD1-related condition.

gnomAD v4.1: 4 of 1,610,096 alleles (0.00025%); highest among the groups gnomAD compares: Admixed American, 0.005%; no homozygotes.

Submission:

PreventionGenetics, part of Exact Sciences
Classification: Uncertain significance for PKD1-related condition. Last evaluated: 2026-06-01. Review status: criteria provided, single submitter. Criteria: ACMG Guidelines, 2015. Collection method: clinical testing. Allele origin: germline.
Comment: The PKD1 c.7607G>A variant is predicted to result in the amino acid substitution p.Gly2536Glu. To our knowledge, this variant has not been reported in the literature. This variant is reported in 0.0088% of alleles in individuals of Latino descent in gnomAD. At this time, the clinical significance of this variant is uncertain due to the absence of conclusive functional and genetic evidence.

NM_001009944.3(PKD1):c.7607G>A (p.Gly2536Glu)

Gene: PKD1 (polycystin 1, transient receptor potential channel interacting; minus strand). Cytogenetic location: 16p13.3.
Variant type: single nucleotide variant.
Coding change: c.7607G>A on transcript NM_001009944.3 (MANE Select); coding-DNA position 7607, G replaced by A.
Protein change: p.Gly2536Glu; replaces glycine 2536 with glutamic acid.
Molecular consequence: missense variant.
Genome position (GRCh38, 1-based): chr16:2,106,187, C>T on the plus strand (G>A on the coding strand, the complement: PKD1 is on the minus strand). VCF-style: chr16-2106187-C-T. GRCh37 (hg19) VCF-style: chr16-2156188-C-T.
Other names: c.7607G>A, p.Gly2536Glu (NM_000296.4); short protein forms G2536E.
Identifiers: ClinVar variation 4981100 (VCV004981100.1).